The following is an entry in ClinVar:

ClinVar aggregate classification (germline): Uncertain significance (1 of 4 stars; one submission).

Conditions:
Neurofibromatosis, type 1 (NF1). Also called: Neurofibromatosis, type I; VON RECKLINGHAUSEN DISEASE; NEUROFIBROMATOSIS, TYPE I, SOMATIC; Peripheral type neurofibromatosis. Identifiers: Orphanet 636, MedGen C0027831, MONDO:0018975, OMIM 162200. Disease mechanism: loss of function.

Submission:

Labcorp Genetics (formerly Invitae), Labcorp
Classification: Uncertain significance for Neurofibromatosis, type 1. Last evaluated: 2024-05-07. Review status: criteria provided, single submitter. Criteria: Invitae Variant Classification Sherloc (09022015). Collection method: clinical testing. Allele origin: germline.
Comment: This sequence change replaces tyrosine, which is neutral and polar, with serine, which is neutral and polar, at codon 1659 of the NF1 protein (p.Tyr1659Ser). This variant is not present in population databases (gnomAD no frequency). This variant has not been reported in the literature in individuals affected with NF1-related conditions. Advanced modeling of protein sequence and biophysical properties (such as structural, functional, and spatial information, amino acid conservation, physicochemical variation, residue mobility, and thermodynamic stability) performed at Invitae indicates that this missense variant is expected to disrupt NF1 protein function with a positive predictive value of 95%. In summary, the available evidence is currently insufficient to determine the role of this variant in disease. Therefore, it has been classified as a Variant of Uncertain Significance.

NM_001042492.3(NF1):c.5039A>C (p.Tyr1680Ser)

Gene: NF1 (neurofibromin 1; plus strand). Cytogenetic location: 17q11.2.
Variant type: single nucleotide variant.
Coding change: c.5039A>C on transcript NM_001042492.3 (MANE Select); coding-DNA position 5039, A replaced by C.
Protein change: p.Tyr1680Ser; replaces tyrosine 1680 with serine.
Molecular consequence: missense variant.
Genome position (GRCh38, 1-based): chr17:31,326,023, A>C. VCF-style: chr17-31326023-A-C. GRCh37 (hg19) VCF-style: chr17-29653041-A-C.
Other names: c.4976A>C, p.Tyr1659Ser (NM_000267.4); short protein forms Y1680S, Y1659S.
Identifiers: ClinVar variation 2840198 (VCV002840198.3), dbSNP rs758361270, ClinGen allele CA399007371.